The following is an entry in ClinVar:

ClinVar aggregate classification (germline): Benign/Likely benign. Review status: criteria provided, multiple submitters, no conflicts (2 of 4 stars). 6 submissions from 6 submitters: Benign (2); Likely benign (3). 1 of the submissions does not count toward it. Last evaluated 2025-06-15.

Conditions:
Early-infantile DEE. Also called: Early infantile epileptic encephalopathy; Ohtahara syndrome; Early infantile epileptic encephalopathy with suppression bursts. Identifiers: Orphanet 1934, MedGen C0393706, MONDO:0800491.
SPTAN1-related disorder. Also called: SPTAN1-related condition; SPTAN1-related disorders.
Developmental and epileptic encephalopathy, 5 (DEE5). Identifiers: Orphanet 3451, MedGen C3150731, MONDO:0013277, OMIM 613477.

Allele frequency attached by ClinVar (database versions not stated): gnomAD 0.00002 and 0.00004; TOPMed 0.00003; ExAC 0.00008.
gnomAD v4.1: 234 of 1,612,968 alleles (0.015%); highest among the groups gnomAD compares: South Asian, 0.03%; no homozygotes.

Submissions (6):

Labcorp Genetics (formerly Invitae), Labcorp
Classification: Likely benign for Early-infantile DEE. Last evaluated: 2025-06-15. Review status: criteria provided, single submitter. Criteria: Invitae Variant Classification Sherloc (09022015). Collection method: clinical testing. Allele origin: germline.

CeGaT Center for Human Genetics Tuebingen
Classification: Likely benign. Last evaluated: 2025-05-01. Review status: criteria provided, single submitter. Criteria: CeGaT Center For Human Genetics Tuebingen Variant Classification Criteria Version 2. Collection method: clinical testing. Allele origin: germline. Affected: yes. Observed: 2 variant alleles.
Comment: SPTAN1: BP4, BP7

Blueprint Genetics
Classification: Likely benign. Last evaluated: 2024-07-22. Review status: criteria provided, single submitter. Criteria: ACMG Guidelines, 2015. Collection method: clinical testing. Allele origin: germline.

Genome-Nilou Lab
Classification: Benign for Developmental and epileptic encephalopathy, 5. Last evaluated: 2021-07-15. Review status: criteria provided, single submitter. Criteria: ACMG Guidelines, 2015. Collection method: clinical testing. Allele origin: germline. Affected: no.

GeneDx
Classification: Benign. Last evaluated: 2019-11-14. Review status: criteria provided, single submitter. Criteria: GeneDx Variant Classification Process June 2021. Collection method: clinical testing. Allele origin: germline. Affected: yes.

PreventionGenetics, part of Exact Sciences
Classification: Likely benign for SPTAN1-related condition. Last evaluated: 2023-09-16. Review status: no assertion criteria provided. Collection method: clinical testing. Allele origin: germline. Not counted in ClinVar's aggregate classification.
Comment: This variant is classified as likely benign based on ACMG/AMP sequence variant interpretation guidelines (Richards et al. 2015 PMID: 25741868, with internal and published modifications).

NM_001130438.3(SPTAN1):c.6726G>A (p.Glu2242=)

Gene: SPTAN1 (spectrin alpha, non-erythrocytic 1; plus strand). Cytogenetic location: 9q34.11.
Variant type: single nucleotide variant.
Coding change: c.6726G>A on transcript NM_001130438.3 (MANE Select); coding-DNA position 6726, G replaced by A.
Protein change: p.Glu2242=; no amino-acid change (glutamic acid 2242 retained).
Molecular consequence: synonymous variant.
Genome position (GRCh38, 1-based): chr9:128,630,339, G>A. VCF-style: chr9-128630339-G-A. GRCh37 (hg19) VCF-style: chr9-131392618-G-A.
Other names: c.6651G>A, p.Glu2217= (NM_001195532.2); c.6789G>A, p.Glu2263= (NM_001363759.2); c.6666G>A, p.Glu2222= (NM_001363765.2); c.6711G>A, p.Glu2237= (NM_003127.4).
Identifiers: ClinVar variation 530566 (VCV000530566.38), dbSNP rs745750589, ClinGen allele CA5265887.